The following is an entry in ClinVar:

ClinVar aggregate classification (germline): Uncertain significance. Review status: criteria provided, multiple submitters, no conflicts (2 of 4 stars). 2 submissions from 2 submitters: Uncertain significance (2). Last evaluated 2024-05-23.

Conditions:
Hereditary cancer-predisposing syndrome. Also called: Hereditary Cancer Syndrome; Tumor predisposition; Hereditary neoplastic syndrome; Neoplastic Syndromes, Hereditary. Identifiers: Orphanet 140162, MedGen C0027672, MeSH D009386, MONDO:0015356.
Tuberous sclerosis 1 (TSC1). Identifiers: Orphanet 805, MedGen C1854465, MONDO:0008612, OMIM 191100.

Submissions (2):

Labcorp Genetics (formerly Invitae), Labcorp
Classification: Uncertain significance for Tuberous sclerosis 1. Last evaluated: 2024-05-23. Review status: criteria provided, single submitter. Criteria: Invitae Variant Classification Sherloc (09022015). Collection method: clinical testing. Allele origin: germline.
Comment: This sequence change replaces tyrosine, which is neutral and polar, with cysteine, which is neutral and slightly polar, at codon 275 of the TSC1 protein (p.Tyr275Cys). This variant is not present in population databases (gnomAD no frequency). This variant has not been reported in the literature in individuals affected with TSC1-related conditions. ClinVar contains an entry for this variant (Variation ID: 207628). Advanced modeling of protein sequence and biophysical properties (such as structural, functional, and spatial information, amino acid conservation, physicochemical variation, residue mobility, and thermodynamic stability) performed at Invitae indicates that this missense variant is not expected to disrupt TSC1 protein function with a negative predictive value of 95%. In summary, the available evidence is currently insufficient to determine the role of this variant in disease. Therefore, it has been classified as a Variant of Uncertain Significance.

Ambry Genetics
Classification: Uncertain significance for Hereditary cancer-predisposing syndrome. Last evaluated: 2024-04-10. Review status: criteria provided, single submitter. Criteria: Ambry Variant Classification Scheme 2023. Collection method: clinical testing. Allele origin: germline.
Comment: The p.Y275C variant (also known as c.824A>G), located in coding exon 7 of the TSC1 gene, results from an A to G substitution at nucleotide position 824. The tyrosine at codon 275 is replaced by cysteine, an amino acid with highly dissimilar properties. This amino acid position is well conserved in available vertebrate species. In addition, the in silico prediction for this alteration is inconclusive. Since supporting evidence is limited at this time, the clinical significance of this alteration remains unclear.

NM_000368.5(TSC1):c.824A>G (p.Tyr275Cys)

Gene: TSC1 (TSC complex subunit 1; minus strand). Cytogenetic location: 9q34.13.
Variant type: single nucleotide variant.
Coding change: c.824A>G on transcript NM_000368.5 (MANE Select); coding-DNA position 824, A replaced by G.
Protein change: p.Tyr275Cys; replaces tyrosine 275 with cysteine.
Molecular consequence: missense variant.
Genome position (GRCh38, 1-based): chr9:132,912,371, T>C on the plus strand (A>G on the coding strand, the complement: TSC1 is on the minus strand). VCF-style: chr9-132912371-T-C. GRCh37 (hg19) VCF-style: chr9-135787758-T-C.
Other names: c.824A>G, p.Tyr275Cys (NM_001162426.2); c.671A>G, p.Tyr224Cys (NM_001162427.2); c.461A>G, p.Tyr154Cys (NM_001362177.2); short protein forms Y275C, Y224C, Y154C.
Identifiers: ClinVar variation 207628 (VCV000207628.11), dbSNP rs1554817636, ClinGen allele CA319283.
Genomic context (GRCh38, chr9:132,912,371, plus strand): 5'-CTGGTGGTGACATCGGCTGAACGATGAGGAAAGCGGGCTGAGATTTGGTGAGACACAGAA[T>C]AGCCATCTTCATATGAGGCTTCTGTGGGATCCAGAGAGATTTTGGCACACTCGATCACAA-3'
Protein context (NP_000359.1, residues 265-285): DPTEASYEDG[Tyr275Cys]SVSHQISARF